The following is an entry in ClinVar:

NM_001005361.3(DNM2):c.1552A>G (p.Ile518Val)

Gene: DNM2 (dynamin 2; plus strand). Cytogenetic location: 19p13.2.
Variant type: single nucleotide variant.
Coding change: c.1552A>G on transcript NM_001005361.3 (MANE Select); coding-DNA position 1552, A replaced by G.
Protein change: p.Ile518Val; replaces isoleucine 518 with valine.
Molecular consequence: missense variant. On other transcripts: intron variant (2).
Genome position (GRCh38, 1-based): chr19:10,808,575, A>G. VCF-style: chr19-10808575-A-G. GRCh37 (hg19) VCF-style: chr19-10919251-A-G.
Other names: c.1552A>G, p.Ile518Val (NM_001005360.3, NM_001190716.2); c.1545+2608A>G (NM_004945.4, NM_001005362.3); short protein forms I518V.
Identifiers: ClinVar variation 533834 (VCV000533834.8), dbSNP rs753402698, ClinGen allele CA404038871.
Genomic context (GRCh38, chr19:10,808,575, plus strand): 5'-CCTTTGCCTGCTCTTCCCTGATTTACCCACAACCCTAACTTTGCATATTCAAAGGGGGAG[A>G]TCCTGGTAAGTACATGCTTAGTGTGGTAGCAAACATTAGAGAATCTAGTGGTGATGGAGA-3'
Protein context (NP_001005361.1, residues 508-528): KKRAIPNQGE[Ile518Val]LVIRRGWLTI

ClinVar aggregate classification (germline): Uncertain significance (1 of 4 stars; one submission).

Conditions:
Charcot-Marie-Tooth disease dominant intermediate B (CMTDIB). Also called: CHARCOT-MARIE-TOOTH NEUROPATHY, DOMINANT INTERMEDIATE B; Charcot-Marie-Tooth disease dominant intermediate 1; CMT DI1; Charcot-Marie-Tooth disease dominant intermediate I. Identifiers: Orphanet 100044, Orphanet 228179, MedGen C1847902, MONDO:0011674, OMIM 606482.

Allele frequency attached by ClinVar (database versions not stated): TOPMed 0.00001.
gnomAD v4.1: 7 of 1,612,234 alleles (0.00043%); highest among the groups gnomAD compares: Non-Finnish European, 0.00051%; no homozygotes.

Submission:

Labcorp Genetics (formerly Invitae), Labcorp
Classification: Uncertain significance for Charcot-Marie-Tooth disease dominant intermediate B. Last evaluated: 2017-11-07. Review status: criteria provided, single submitter. Criteria: Invitae Variant Classification Sherloc (09022015). Collection method: clinical testing. Allele origin: germline.
Comment: This variant has not been reported in the literature in individuals with DNM2-related disease. In summary, the available evidence is currently insufficient to determine the role of this variant in disease. Therefore, it has been classified as a Variant of Uncertain Significance. Algorithms developed to predict the effect of missense changes on protein structure and function (SIFT, PolyPhen-2, Align-GVGD) all suggest that this variant is likely to be tolerated, but these predictions have not been confirmed by published functional studies and their clinical significance is uncertain. This variant is not present in population databases (ExAC no frequency). This sequence change replaces isoleucine with valine at codon 518 of the DNM2 protein (p.Ile518Val). The isoleucine residue is weakly conserved and there is a small physicochemical difference between isoleucine and valine.